The following is an entry in ClinVar:

ClinVar aggregate classification (germline): Likely benign (1 of 4 stars; one submission).

Allele frequency attached by ClinVar (database versions not stated): gnomAD 0.00567 and 0.00610; 1000 Genomes Project 30x 0.00578; 1000 Genomes Project 0.00619; TOPMed 0.00691.
gnomAD v4.1: 859 of 152,324 alleles (0.56%); highest among the groups gnomAD compares: African/African-American, 1.9%; 4 homozygotes.

Submission:

GeneDx
Classification: Likely benign. Last evaluated: 2018-06-16. Review status: criteria provided, single submitter. Criteria: GeneDx Variant Classification (06012015). Collection method: clinical testing. Allele origin: germline. Affected: yes.
Comment: This variant is considered likely benign or benign based on one or more of the following criteria: it is a conservative change, it occurs at a poorly conserved position in the protein, it is predicted to be benign by multiple in silico algorithms, and/or has population frequency not consistent with disease.

NM_002880.4(RAF1):c.1108+196A>C

Gene: RAF1 (Raf-1 proto-oncogene, serine/threonine kinase; minus strand). Cytogenetic location: 3p25.2.
Variant type: single nucleotide variant.
Coding change: c.1108+196A>C on transcript NM_002880.4 (MANE Select); 196 bases into the intron after coding-DNA position 1108, A replaced by C.
Molecular consequence: intron variant.
Genome position (GRCh38, 1-based): chr3:12,599,495, T>G on the plus strand (A>C on the coding strand, the complement: RAF1 is on the minus strand). VCF-style: chr3-12599495-T-G. GRCh37 (hg19) VCF-style: chr3-12640994-T-G.
Other names: c.766+196A>C (NM_001354695.3); c.865+196A>C (NM_001354692.3, NM_001354691.3); c.925+196A>C (NM_001354694.3); c.1009+196A>C (NM_001354693.3); c.1168+196A>C (NM_001354689.3); c.1108+196A>C (NM_001354690.3).
Identifiers: ClinVar variation 561449 (VCV000561449.1), dbSNP rs5746228, ClinGen allele CA69616228.